The following is an entry in ClinVar:

NM_004268.5(MED17):c.1210A>T (p.Arg404Ter)

Gene: MED17 (mediator complex subunit 17; plus strand). Cytogenetic location: 11q21.
Variant type: single nucleotide variant.
Coding change: c.1210A>T on transcript NM_004268.5 (MANE Select); coding-DNA position 1210, A replaced by T.
Protein change: p.Arg404Ter; replaces arginine 404 with a stop codon.
Molecular consequence: nonsense.
Genome position (GRCh38, 1-based): chr11:93,797,601, A>T. VCF-style: chr11-93797601-A-T. GRCh37 (hg19) VCF-style: chr11-93530767-A-T.
Other names: short protein forms R404*.
Identifiers: ClinVar variation 1360484 (VCV001360484.6), dbSNP rs2135715560, ClinGen allele CA382358398.

ClinVar aggregate classification (germline): Pathogenic (1 of 4 stars; one submission).

Submission:

Labcorp Genetics (formerly Invitae), Labcorp
Classification: Pathogenic. Last evaluated: 2020-11-25. Review status: criteria provided, single submitter. Criteria: Invitae Variant Classification Sherloc (09022015). Collection method: clinical testing. Allele origin: germline.
Comment: This sequence change creates a premature translational stop signal (p.Arg404*) in the MED17 gene. It is expected to result in an absent or disrupted protein product. Loss-of-function variants in MED17 are known to be pathogenic (PMID: 20950787, 26004231, 30345598). For these reasons, this variant has been classified as Pathogenic. Algorithms developed to predict the effect of sequence changes on RNA splicing suggest that this variant may create or strengthen a splice site, but this prediction has not been confirmed by published transcriptional studies. This variant has not been reported in the literature in individuals with MED17-related conditions. This variant is not present in population databases (ExAC no frequency).

Literature cited by the submitters: PubMed 20950787; PubMed 26004231; PubMed 30345598.